The following is an entry in ClinVar:

NM_017827.4(SARS2):c.877G>A (p.Asp293Asn)

Gene: SARS2 (seryl-tRNA synthetase 2, mitochondrial; minus strand). Cytogenetic location: 19q13.2.
Variant type: single nucleotide variant.
Coding change: c.877G>A on transcript NM_017827.4 (MANE Select); coding-DNA position 877, G replaced by A.
Protein change: p.Asp293Asn; replaces aspartic acid 293 with asparagine.
Molecular consequence: missense variant.
Genome position (GRCh38, 1-based): chr19:38,918,461, C>T on the plus strand (G>A on the coding strand, the complement: SARS2 is on the minus strand). VCF-style: chr19-38918461-C-T. GRCh37 (hg19) VCF-style: chr19-39409101-C-T.
Other names: c.883G>A, p.Asp295Asn (NM_001145901.2); short protein forms D295N, D293N.
Identifiers: ClinVar variation 894474 (VCV000894474.6), dbSNP rs917884456, ClinGen allele CA308142845.

ClinVar aggregate classification (germline): Uncertain significance. Review status: criteria provided, multiple submitters, no conflicts (2 of 4 stars). 2 submissions from 2 submitters: Uncertain significance (2). Last evaluated 2024-12-29.

Conditions:
Hyperuricemia, pulmonary hypertension, renal failure, alkalosis syndrome (HUPRAS). Also called: HYPERURICEMIA, PULMONARY HYPERTENSION, RENAL FAILURE, AND ALKALOSIS SYNDROME; HUPRA SYNDROME. Identifiers: Orphanet 363694, MedGen C3151209, MONDO:0013458, OMIM 613845.

Allele frequency attached by ClinVar (database versions not stated): TOPMed below 0.00001.

Submissions (2):

Labcorp Genetics (formerly Invitae), Labcorp
Classification: Uncertain significance. Last evaluated: 2024-12-29. Review status: criteria provided, single submitter. Criteria: Invitae Variant Classification Sherloc (09022015). Collection method: clinical testing. Allele origin: germline.
Comment: This sequence change replaces aspartic acid, which is acidic and polar, with asparagine, which is neutral and polar, at codon 293 of the SARS2 protein (p.Asp293Asn). This variant is not present in population databases (gnomAD no frequency). This variant has not been reported in the literature in individuals affected with SARS2-related conditions. ClinVar contains an entry for this variant (Variation ID: 894474). An algorithm developed to predict the effect of missense changes on protein structure and function (PolyPhen-2) suggests that this variant is likely to be disruptive. In summary, the available evidence is currently insufficient to determine the role of this variant in disease. Therefore, it has been classified as a Variant of Uncertain Significance.

Illumina Laboratory Services, Illumina
Classification: Uncertain significance for Hyperuricemia, pulmonary hypertension, renal failure, alkalosis syndrome. Last evaluated: 2018-01-13. Review status: criteria provided, single submitter. Criteria: ICSL Variant Classification Criteria 13 December 2019. Collection method: clinical testing. Allele origin: germline.